The following is an entry in ClinVar:

ClinVar aggregate classification (germline): Likely benign. Review status: criteria provided, single submitter (1 of 4 stars). 2 submissions from 2 submitters: Likely benign (1). 1 of the submissions does not count toward it. Last evaluated 2025-07-29.

Conditions:
NDUFB8-related disorder. Also called: NDUFB8-related condition.

Allele frequency attached by ClinVar (database versions not stated): ESP Exome Variant Server 0.00008; ExAC 0.00023; gnomAD exomes 0.00028; gnomAD 0.00034 and 0.00035; TOPMed 0.00054; 1000 Genomes Project 0.00080; 1000 Genomes Project 30x 0.00094.
gnomAD v4.1: 217 of 1,613,794 alleles (0.013%); highest among the groups gnomAD compares: Admixed American, 0.21%; no homozygotes.

Submissions (2):

Labcorp Genetics (formerly Invitae), Labcorp
Classification: Likely benign. Last evaluated: 2025-07-29. Review status: criteria provided, single submitter. Criteria: Invitae Variant Classification Sherloc (09022015). Collection method: clinical testing. Allele origin: germline.

PreventionGenetics, part of Exact Sciences
Classification: Likely benign for NDUFB8-related condition. Last evaluated: 2019-02-21. Review status: no assertion criteria provided. Collection method: clinical testing. Allele origin: germline. Not counted in ClinVar's aggregate classification.
Comment: This variant is classified as likely benign based on ACMG/AMP sequence variant interpretation guidelines (Richards et al. 2015 PMID: 25741868, with internal and published modifications).

NM_005004.4(NDUFB8):c.33C>A (p.Val11=)

Gene: NDUFB8 (NADH:ubiquinone oxidoreductase subunit B8; minus strand). Cytogenetic location: 10q24.31.
Variant type: single nucleotide variant.
Coding change: c.33C>A on transcript NM_005004.4 (MANE Select); coding-DNA position 33, C replaced by A.
Protein change: p.Val11=; no amino-acid change (valine 11 retained).
Molecular consequence: synonymous variant. On other transcripts: intron variant (1).
Genome position (GRCh38, 1-based): chr10:100,529,819, G>T on the plus strand (C>A on the coding strand, the complement: NDUFB8 is on the minus strand). VCF-style: chr10-100529819-G-T. GRCh37 (hg19) VCF-style: chr10-102289576-G-T.
Other names: c.33C>A, p.Val11= (NM_001284367.2); c.-9+39C>A (NM_001284368.1); c.33C>A (NM_005004.3).
Identifiers: ClinVar variation 1546550 (VCV001546550.10), dbSNP rs144068575, ClinGen allele CA5650295.
Genomic context (GRCh38, chr10:100,529,819, plus strand): 5'-TCGCGGACCTGTCCGTGCGCCCAGCGGCATCACGTTCCGGGATGCCCTTTGCAGCCACTG[G>T]ACTCCCAAGACCCCGGCCCTGGCCACCGCCATCTTCACCTTCTTCACGTTTCCCTTCTGC-3'
Protein context (NP_004995.1, residues 1-21): MAVARAGVLG[Val11=]QWLQRASRNV